The following is an entry in ClinVar:

NM_016239.4(MYO15A):c.3687G>A (p.Gln1229=)

Gene: MYO15A (myosin XVA; plus strand). Cytogenetic location: 17p11.2.
Variant type: single nucleotide variant.
Coding change: c.3687G>A on transcript NM_016239.4 (MANE Select); coding-DNA position 3687, G replaced by A.
Protein change: p.Gln1229=; no amino-acid change (glutamine 1229 retained).
Molecular consequence: synonymous variant.
Genome position (GRCh38, 1-based): chr17:18,124,560, G>A. VCF-style: chr17-18124560-G-A. GRCh37 (hg19) VCF-style: chr17-18027874-G-A.
Identifiers: ClinVar variation 3770032 (VCV003770032.1).

ClinVar aggregate classification (germline): Uncertain significance (1 of 4 stars; one submission).

Submission:

GeneDx
Classification: Uncertain significance. Last evaluated: 2024-09-12. Review status: criteria provided, single submitter. Criteria: GeneDx Variant Classification Process June 2021. Collection method: clinical testing. Allele origin: germline. Affected: yes.
Comment: Not observed at significant frequency in large population cohorts (gnomAD); In silico analysis indicates that this variant does not alter splicing; Has not been previously published as pathogenic or benign to our knowledge